The following is an entry in ClinVar:

ClinVar aggregate classification (germline): Pathogenic (1 of 4 stars; one submission).

Conditions:
Hereditary diffuse gastric adenocarcinoma (HDGC). Also called: DIFFUSE GASTRIC AND LOBULAR BREAST CANCER SYNDROME. Identifiers: Orphanet 26106, MedGen C1708349, MONDO:0007648, OMIM 137215.

Submission:

Myriad Genetics, Inc.
Classification: Pathogenic for Hereditary diffuse gastric adenocarcinoma. Last evaluated: 2025-08-06. Review status: criteria provided, single submitter. Criteria: Myriad Autosomal Dominant, Autosomal Recessive and X-Linked Classification Criteria (2023). Collection method: clinical testing. Allele origin: unknown.
Comment: This variant is considered pathogenic. This variant creates a termination codon and is predicted to result in premature protein truncation.

NM_001903.5(CTNNA1):c.328G>T (p.Glu110Ter)

Gene: CTNNA1 (catenin alpha 1; plus strand). Cytogenetic location: 5q31.2.
Variant type: single nucleotide variant.
Coding change: c.328G>T on transcript NM_001903.5 (MANE Select); coding-DNA position 328, G replaced by T.
Protein change: p.Glu110Ter; replaces glutamic acid 110 with a stop codon.
Molecular consequence: nonsense. On other transcripts: intron variant (1).
Genome position (GRCh38, 1-based): chr5:138,810,064, G>T. VCF-style: chr5-138810064-G-T. GRCh37 (hg19) VCF-style: chr5-138145753-G-T.
Other names: c.-5-37G>T (NM_001290310.3); c.328G>T, p.Glu110Ter (NM_001290307.3, NM_001323982.2, NM_001323983.1 and 3 more transcripts); c.19G>T, p.Glu7Ter (NM_001290309.3); short protein forms E110*, E7*.
Identifiers: ClinVar variation 4294246 (VCV004294246.1).